The following is an entry in ClinVar:

ClinVar aggregate classification (germline): Uncertain significance (1 of 4 stars; one submission).

Conditions:
Brugada syndrome 8 (BRGDA8). Identifiers: Orphanet 130, MedGen C2751083, MONDO:0013148, OMIM 613123.

Submission:

Labcorp Genetics (formerly Invitae), Labcorp
Classification: Uncertain significance for Brugada syndrome 8. Last evaluated: 2023-08-21. Review status: criteria provided, single submitter. Criteria: Invitae Variant Classification Sherloc (09022015). Collection method: clinical testing. Allele origin: germline.
Comment: This sequence change replaces arginine, which is basic and polar, with glycine, which is neutral and non-polar, at codon 666 of the HCN4 protein (p.Arg666Gly). This variant is not present in population databases (gnomAD no frequency). In summary, the available evidence is currently insufficient to determine the role of this variant in disease. Therefore, it has been classified as a Variant of Uncertain Significance. Advanced modeling of protein sequence and biophysical properties (such as structural, functional, and spatial information, amino acid conservation, physicochemical variation, residue mobility, and thermodynamic stability) performed at Invitae indicates that this missense variant is not expected to disrupt HCN4 protein function. This variant has not been reported in the literature in individuals affected with HCN4-related conditions.

NM_005477.3(HCN4):c.1996C>G (p.Arg666Gly)

Gene: HCN4 (hyperpolarization activated cyclic nucleotide gated potassium channel 4; minus strand). Cytogenetic location: 15q24.1.
Variant type: single nucleotide variant.
Coding change: c.1996C>G on transcript NM_005477.3 (MANE Select); coding-DNA position 1996, C replaced by G.
Protein change: p.Arg666Gly; replaces arginine 666 with glycine.
Molecular consequence: missense variant.
Genome position (GRCh38, 1-based): chr15:73,324,236, G>C on the plus strand (C>G on the coding strand, the complement: HCN4 is on the minus strand). VCF-style: chr15-73324236-G-C. GRCh37 (hg19) VCF-style: chr15-73616577-G-C.
Other names: short protein forms R666G.
Identifiers: ClinVar variation 2860521 (VCV002860521.3), dbSNP rs199943122, ClinGen allele CA393090374.
Genomic context (GRCh38, chr15:73,324,236, plus strand): 5'-CGCTCAGCGAGTAGAGGCGGCAGTAGGTGTCGGCCCTCACGCTGGCTGTGCGCCGGCCCC[G>C]GGTCAGCAGGCAGATCTCTGCCAGAGCATCAGGACTCAGGATGAGGCATGCACAGCCTGC-3'
Protein context (NP_005468.1, residues 656-676): SYFGEICLLT[Arg666Gly]GRRTASVRAD